The following is an entry in ClinVar:

ClinVar aggregate classification (germline): Benign/Likely benign. Review status: criteria provided, multiple submitters, no conflicts (2 of 4 stars). 4 submissions from 4 submitters: Benign (1); Likely benign (2). 1 of the submissions does not count toward it. Last evaluated 2026-01-12.

Conditions:
Hereditary cancer-predisposing syndrome. Also called: Neoplastic Syndromes, Hereditary; Hereditary Cancer Syndrome; Hereditary neoplastic syndrome; Tumor predisposition. Identifiers: Orphanet 140162, MedGen C0027672, MeSH D009386, MONDO:0015356.
Hereditary leiomyomatosis and renal cell cancer. Also called: Familial leiomyomatosis; Reed syndrome; Multiple cutaneous and uterine leiomyomatosis; Cutaneous leiomyomata with uterine leiomyomata; Leiomyoma, hereditary multiple, of skin; Multiple cutaneous and uterine leiomyomata. Identifiers: Orphanet 523, MedGen C1708350, MONDO:0007888, OMIM 150800, HP:0007437. Disease mechanism: loss of function.
Fumarase deficiency (FMRD). Also called: Fumarate Hydratase Deficiency; Fumaric aciduria. Identifiers: Orphanet 24, MedGen C0342770, MONDO:0011730, OMIM 606812.

Allele frequency attached by ClinVar (database versions not stated): TOPMed below 0.00001; gnomAD exomes 0.00003.

Submissions (4):

Labcorp Genetics (formerly Invitae), Labcorp
Classification: Likely benign. Last evaluated: 2026-01-12. Review status: criteria provided, single submitter. Criteria: Invitae Variant Classification Sherloc (09022015). Collection method: clinical testing. Allele origin: germline.

Myriad Genetics, Inc.
Classification: Benign for Hereditary leiomyomatosis and renal cell cancer. Last evaluated: 2024-10-17. Review status: criteria provided, single submitter. Criteria: Myriad Autosomal Dominant, Autosomal Recessive and X-Linked Classification Criteria (2023). Collection method: clinical testing. Allele origin: unknown.
Comment: This variant is considered benign. This variant is a silent/synonymous amino acid change and it is not expected to impact splicing.

Ambry Genetics
Classification: Likely benign for Hereditary cancer-predisposing syndrome. Last evaluated: 2020-05-04. Review status: criteria provided, single submitter. Criteria: Ambry Variant Classification Scheme 2023. Collection method: clinical testing. Allele origin: germline.

Natera, Inc.
Classification: Likely benign for Fumarase deficiency. Last evaluated: 2020-09-16. Review status: no assertion criteria provided. Collection method: clinical testing. Allele origin: germline. Not counted in ClinVar's aggregate classification.

NM_000143.4(FH):c.21C>T (p.Leu7=)

Gene: FH (fumarate hydratase; minus strand). Cytogenetic location: 1q43.
Variant type: single nucleotide variant.
Coding change: c.21C>T on transcript NM_000143.4 (MANE Select); coding-DNA position 21, C replaced by T.
Protein change: p.Leu7=; no amino-acid change (leucine 7 retained).
Molecular consequence: synonymous variant.
Genome position (GRCh38, 1-based): chr1:241,519,702, G>A on the plus strand (C>T on the coding strand, the complement: FH is on the minus strand). VCF-style: chr1-241519702-G-A. GRCh37 (hg19) VCF-style: chr1-241683002-G-A.
Identifiers: ClinVar variation 706083 (VCV000706083.13), dbSNP rs1263147931, ClinGen allele CA424076870.